The following is an entry in ClinVar:

NM_177438.3(DICER1):c.3590G>C (p.Cys1197Ser)

Gene: DICER1 (dicer 1, ribonuclease III; minus strand). Cytogenetic location: 14q32.13.
Variant type: single nucleotide variant.
Coding change: c.3590G>C on transcript NM_177438.3 (MANE Select); coding-DNA position 3590, G replaced by C.
Protein change: p.Cys1197Ser; replaces cysteine 1197 with serine.
Molecular consequence: missense variant. On other transcripts: non-coding transcript variant (6).
Genome position (GRCh38, 1-based): chr14:95,103,806, C>G on the plus strand (G>C on the coding strand, the complement: DICER1 is on the minus strand). VCF-style: chr14-95103806-C-G. GRCh37 (hg19) VCF-style: chr14-95570143-C-G.
Other names: c.3590G>C, p.Cys1197Ser (NM_001195573.1, NM_001271282.3, NM_001291628.2 and 13 more transcripts); c.3308G>C, p.Cys1103Ser (NM_001395686.1); c.3185G>C, p.Cys1062Ser (NM_001395687.1, NM_001395688.1, NM_001395689.1 and 2 more transcripts); c.3023G>C, p.Cys1008Ser (NM_001395691.1); c.1907G>C, p.Cys636Ser (NM_001395697.1); short protein forms C1008S, C1062S, C1103S, C1197S, C636S.
Identifiers: ClinVar variation 1718953 (VCV001718953.7), dbSNP rs2139964601, ClinGen allele CA390874791.

ClinVar aggregate classification (germline): Uncertain significance. Review status: criteria provided, multiple submitters, no conflicts (2 of 4 stars). 2 submissions from 2 submitters: Uncertain significance (2). Last evaluated 2024-03-14.

Conditions:
Global developmental delay - lung cysts - overgrowth - Wilms tumor syndrome. Also called: GLOBAL DEVELOPMENTAL DELAY, LUNG CYSTS, OVERGROWTH, AND WILMS TUMOR; GLOW Syndrome. Identifiers: Orphanet 404476, MedGen C4748924, MONDO:0018445, OMIM 618272.
DICER1-related tumor predisposition. Also called: DICER1 syndrome; DICER1-related pleuropulmonary blastoma cancer predisposition syndrome. Identifiers: Orphanet 284343, MedGen C3839822, MONDO:0100216.

Submissions (2):

Baylor Genetics
Classification: Uncertain significance for Global developmental delay - lung cysts - overgrowth - Wilms tumor syndrome. Last evaluated: 2024-03-14. Review status: criteria provided, single submitter. Criteria: ACMG Guidelines, 2015. Collection method: clinical testing. Allele origin: unknown.

Labcorp Genetics (formerly Invitae), Labcorp
Classification: Uncertain significance for DICER1-related tumor predisposition. Last evaluated: 2022-09-06. Review status: criteria provided, single submitter. Criteria: Invitae Variant Classification Sherloc (09022015). Collection method: clinical testing. Allele origin: germline.
Comment: This sequence change replaces cysteine, which is neutral and slightly polar, with serine, which is neutral and polar, at codon 1197 of the DICER1 protein (p.Cys1197Ser). This variant is not present in population databases (gnomAD no frequency). This variant has not been reported in the literature in individuals affected with DICER1-related conditions. Algorithms developed to predict the effect of missense changes on protein structure and function (SIFT, PolyPhen-2, Align-GVGD) all suggest that this variant is likely to be tolerated. In summary, the available evidence is currently insufficient to determine the role of this variant in disease. Therefore, it has been classified as a Variant of Uncertain Significance.